The following is an entry in ClinVar:

ClinVar aggregate classification (germline): Likely benign. Review status: reviewed by expert panel (3 of 4 stars). 6 submissions from 6 submitters: Likely benign (1). 5 of the submissions do not count toward it. Last evaluated 2017-06-29.

Conditions:
Breast-ovarian cancer, familial, susceptibility to, 1 (BROVCA1). Also called: BRCA1 Hereditary Breast and Ovarian Cancer; OVARIAN CANCER, SUSCEPTIBILITY TO. Identifiers: Orphanet 145, MedGen C2676676, MONDO:0011450, OMIM 604370. Disease mechanism: loss of function.
Hereditary cancer-predisposing syndrome. Also called: Neoplastic Syndromes, Hereditary; Hereditary neoplastic syndrome; Hereditary Cancer Syndrome; Tumor predisposition. Identifiers: Orphanet 140162, MedGen C0027672, MeSH D009386, MONDO:0015356.
Hereditary breast ovarian cancer syndrome. Also called: Hereditary breast and ovarian cancer syndrome; Breast and ovarian cancer; Hereditary breast and ovarian cancer syndrome (HBOC); Hereditary breast and/or ovarian cancer syndrome; BRCA1- and BRCA2-Associated Hereditary Breast and Ovarian Cancer; Hereditary breast and ovarian cancer. Identifiers: Orphanet 145, MedGen C0677776, MeSH D061325, MONDO:0003582. Disease mechanism: loss of function.

Allele frequency attached by ClinVar (database versions not stated): gnomAD exomes below 0.00001; ExAC 0.00001; TOPMed 0.00001.
gnomAD v4.1: 4 of 1,614,182 alleles (0.00025%); highest among the groups gnomAD compares: East Asian, 0.0045%; no homozygotes.

Submissions (6):

Evidence-based Network for the Interpretation of Germline Mutant Alleles (ENIGMA)
Classification: Likely benign for Breast-ovarian cancer, familial, susceptibility to, 1. Last evaluated: 2017-06-29. Review status: reviewed by expert panel. Criteria: ENIGMA BRCA1/2 Classification Criteria (2017-06-29). Collection method: curation. Allele origin: germline.
Comment: Synonymous substitution variant, with low bioinformatic likelihood to result in a splicing aberration (Splicing prior probability 0.02).

Quest Diagnostics Nichols Institute San Juan Capistrano
Classification: Likely benign. Last evaluated: 2025-10-01. Review status: criteria provided, single submitter. Criteria: Quest Diagnostics criteria. Collection method: clinical testing. Allele origin: unknown. Not counted in ClinVar's aggregate classification.

Labcorp Genetics (formerly Invitae), Labcorp
Classification: Likely benign for Hereditary breast ovarian cancer syndrome. Last evaluated: 2025-09-03. Review status: criteria provided, single submitter. Criteria: Invitae Variant Classification Sherloc (09022015). Collection method: clinical testing. Allele origin: germline. Not counted in ClinVar's aggregate classification.

Women's Health and Genetics/Laboratory Corporation of America, LabCorp
Classification: Likely benign. Last evaluated: 2020-10-21. Review status: criteria provided, single submitter. Criteria: LabCorp Variant Classification Summary - May 2015. Collection method: clinical testing. Allele origin: germline. Not counted in ClinVar's aggregate classification.

Ambry Genetics
Classification: Likely benign for Hereditary cancer-predisposing syndrome. Last evaluated: 2016-09-16. Review status: criteria provided, single submitter. Criteria: Ambry Variant Classification Scheme 2023. Collection method: clinical testing. Allele origin: germline. Not counted in ClinVar's aggregate classification.

GeneDx
Classification: Benign. Last evaluated: 2015-05-15. Review status: criteria provided, single submitter. Criteria: GeneDx Variant Classification Process June 2021. Collection method: clinical testing. Allele origin: germline. Affected: yes. Not counted in ClinVar's aggregate classification.
Comment: This variant is associated with the following publications: (PMID: 29020732, 30287823)

Literature cited by the submitters: PubMed 15365993 (cited by Quest Diagnostics Nichols Institute San Juan Capistrano and Women's Health and Genetics/Laboratory Corporation of America, LabCorp); PubMed 29020732 (cited by Quest Diagnostics Nichols Institute San Juan Capistrano); PubMed 30287823 (cited by Quest Diagnostics Nichols Institute San Juan Capistrano); PubMed 33078592 (cited by Quest Diagnostics Nichols Institute San Juan Capistrano); PubMed 28364669 (cited by Quest Diagnostics Nichols Institute San Juan Capistrano).

NM_007294.4(BRCA1):c.3975G>A (p.Arg1325=)

Genes: BRCA1 (BRCA1 DNA repair associated; minus strand), LOC126862571 (BRD4-independent group 4 enhancer GRCh37_chr17:41243136-41244335; plus strand). Cytogenetic location: 17q21.31.
Variant type: single nucleotide variant.
Coding change: c.3975G>A on transcript NM_007294.4 (MANE Select); coding-DNA position 3975, G replaced by A.
Protein change: p.Arg1325=; no amino-acid change (arginine 1325 retained).
Molecular consequence: synonymous variant. On other transcripts: intron variant (135).
Genome position (GRCh38, 1-based): chr17:43,091,556, C>T on the plus strand (G>A on the coding strand, the complement: BRCA1 is on the minus strand). VCF-style: chr17-43091556-C-T. GRCh37 (hg19) VCF-style: chr17-41243573-C-T.
Other names: c.3762G>A, p.Arg1254= (NM_001407571.1, NM_001407853.1, NM_001407894.1 and 9 more transcripts); c.3975G>A, p.Arg1325= (NM_001407581.1, NM_001407582.1, NM_001407583.1 and 30 more transcripts); c.3972G>A, p.Arg1324= (NM_001407587.1, NM_001407590.1, NM_001407591.1 and 22 more transcripts); c.3966G>A, p.Arg1322= (NM_001407646.1, NM_001407647.1); c.3852G>A, p.Arg1284= (NM_001407648.1, NM_001407664.1, NM_001407665.1 and 19 more transcripts); c.3849G>A, p.Arg1283= (NM_001407649.1, NM_001407670.1, NM_001407671.1 and 11 more transcripts); c.3897G>A, p.Arg1299= (NM_001407653.1, NM_001407654.1, NM_001407655.1 and 4 more transcripts); c.3894G>A, p.Arg1298= (NM_001407659.1, NM_001407660.1, NM_001407661.1 and 1 more transcripts); and 41 more.
Identifiers: ClinVar variation 415574 (VCV000415574.21), dbSNP rs761424661, ClinGen allele CA059087.